The following is an entry in ClinVar:

NM_001098816.3(TENM4):c.7110T>C (p.Phe2370=)

Gene: TENM4 (teneurin transmembrane protein 4; minus strand). Cytogenetic location: 11q14.1.
Variant type: single nucleotide variant.
Coding change: c.7110T>C on transcript NM_001098816.3 (MANE Select); coding-DNA position 7110, T replaced by C.
Protein change: p.Phe2370=; no amino-acid change (phenylalanine 2370 retained).
Molecular consequence: synonymous variant.
Genome position (GRCh38, 1-based): chr11:78,669,235, A>G on the plus strand (T>C on the coding strand, the complement: TENM4 is on the minus strand). VCF-style: chr11-78669235-A-G. GRCh37 (hg19) VCF-style: chr11-78380280-A-G.
Identifiers: ClinVar variation 3047240 (VCV003047240.2), dbSNP rs374842734, ClinGen allele CA6206300.

ClinVar aggregate classification (germline): Likely benign (0 of 4 stars; one submission).

Conditions:
TENM4-related disorder. Also called: TENM4-related condition.

Allele frequency attached by ClinVar (database versions not stated): gnomAD 0.00017; TOPMed 0.00018; ExAC 0.00011; gnomAD exomes 0.00012; ESP Exome Variant Server 0.00016.
gnomAD v4.1: 193 of 1,613,832 alleles (0.012%); highest among the groups gnomAD compares: Non-Finnish European, 0.015%; no homozygotes.

Submission:

PreventionGenetics, part of Exact Sciences
Classification: Likely benign for TENM4-related condition. Last evaluated: 2021-08-10. Review status: no assertion criteria provided. Collection method: clinical testing. Allele origin: germline.
Comment: This variant is classified as likely benign based on ACMG/AMP sequence variant interpretation guidelines (Richards et al. 2015 PMID: 25741868, with internal and published modifications).